The following is an entry in ClinVar:

NM_004415.4(DSP):c.8602T>A (p.Ser2868Thr)

Gene: DSP (desmoplakin; plus strand). Cytogenetic location: 6p24.3.
Variant type: single nucleotide variant.
Coding change: c.8602T>A on transcript NM_004415.4 (MANE Select); coding-DNA position 8602, T replaced by A.
Protein change: p.Ser2868Thr; replaces serine 2868 with threonine.
Molecular consequence: missense variant.
Genome position (GRCh38, 1-based): chr6:7,585,864, T>A. VCF-style: chr6-7585864-T-A. GRCh37 (hg19) VCF-style: chr6-7586097-T-A.
Other names: c.8602T>A (LRG_423t1); c.6805T>A, p.Ser2269Thr (NM_001008844.3); c.7273T>A, p.Ser2425Thr (NM_001319034.2); short protein forms S2868T, S2425T, S2269T.
Identifiers: ClinVar variation 534317 (VCV000534317.8), dbSNP rs1554109346, ClinGen allele CA362695473.
Genomic context (GRCh38, chr6:7,585,864, plus strand): 5'-GGAAGCTTTGACGCCACAGGGAATTCTTCCTACTCTTATTCCTACTCATTTAGCAGTAGT[T>A]CTATTGGGCACTAGTAGTCAGTTGGGAGTGGTTGCTATACCTTGACTTCATTTATATGAA-3'
Protein context (NP_004406.2, residues 2858-2871): YSYSYSFSSS[Ser2868Thr]IGH

ClinVar aggregate classification (germline): Uncertain significance. Review status: criteria provided, multiple submitters, no conflicts (2 of 4 stars). 3 submissions from 3 submitters: Uncertain significance (3). Last evaluated 2025-07-21.

Conditions:
Arrhythmogenic cardiomyopathy with wooly hair and keratoderma. Also called: PALMOPLANTAR KERATODERMA WITH LEFT VENTRICULAR CARDIOMYOPATHY AND WOOLLY HAIR; Carvajal syndrome; Dilated cardiomyopathy with woolly hair and keratoderma; Arrhythmogenic cardiomyopathy with woolly hair and keratoderma. Identifiers: Orphanet 65282, MedGen C1854063, MONDO:0011581, OMIM 605676.
Arrhythmogenic right ventricular dysplasia 8 (ARVD8). Also called: Arrhythmogenic Right Ventricular Dysplasia/Cardiomyopathy 8; ARRHYTHMOGENIC RIGHT VENTRICULAR DYSPLASIA, FAMILIAL, 8; ARRHYTHMOGENIC RIGHT VENTRICULAR CARDIOMYOPATHY 8. Identifiers: MedGen C1843896, MONDO:0011831, OMIM 607450.
Cardiovascular phenotype. Identifiers: MedGen CN230736.

Allele frequency attached by ClinVar (database versions not stated): gnomAD exomes 0.00001.
gnomAD v4.1: 7 of 1,614,074 alleles (0.00043%); highest among the groups gnomAD compares: South Asian, 0.0011%; no homozygotes.

Submissions (3):

Ambry Genetics
Classification: Uncertain significance for Cardiovascular phenotype. Last evaluated: 2025-07-21. Review status: criteria provided, single submitter. Criteria: Ambry Variant Classification Scheme 2023. Collection method: clinical testing. Allele origin: germline.
Comment: The p.S2868T variant (also known as c.8602T>A), located in coding exon 24 of the DSP gene, results from a T to A substitution at nucleotide position 8602. The serine at codon 2868 is replaced by threonine, an amino acid with similar properties. This amino acid position is conserved. In addition, the in silico prediction for this alteration is inconclusive. Based on the available evidence, the clinical significance of this variant remains unclear.

Labcorp Genetics (formerly Invitae), Labcorp
Classification: Uncertain significance for Arrhythmogenic cardiomyopathy with wooly hair and keratoderma; Arrhythmogenic right ventricular dysplasia 8. Last evaluated: 2024-01-11. Review status: criteria provided, single submitter. Criteria: Invitae Variant Classification Sherloc (09022015). Collection method: clinical testing. Allele origin: germline.
Comment: This sequence change replaces serine, which is neutral and polar, with threonine, which is neutral and polar, at codon 2868 of the DSP protein (p.Ser2868Thr). This variant is not present in population databases (gnomAD no frequency). This variant has not been reported in the literature in individuals affected with DSP-related conditions. ClinVar contains an entry for this variant (Variation ID: 534317). An algorithm developed to predict the effect of missense changes on protein structure and function (PolyPhen-2) suggests that this variant is likely to be disruptive. In summary, the available evidence is currently insufficient to determine the role of this variant in disease. Therefore, it has been classified as a Variant of Uncertain Significance.

All of Us Research Program, National Institutes of Health
Classification: Uncertain significance for Arrhythmogenic cardiomyopathy with wooly hair and keratoderma. Last evaluated: 2023-03-04. Review status: criteria provided, single submitter. Criteria: ACMG Guidelines, 2015. Collection method: clinical testing. Allele origin: germline. Inheritance: Autosomal dominant inheritance. Observed: 1 variant allele, 1 heterozygote.
Comment: This study involves interpretation of variants in research participants for the purpose of population health screening. Participant phenotype was not available at the time of variant classification. Additional details can be found in publication PMID: 35346344, PMCID: PMC8962531